The following is an entry in ClinVar:

NM_001987.5(ETV6):c.200C>A (p.Ala67Asp)

Genes: ETV6 (ETS variant transcription factor 6; plus strand), LOC126861451 (BRD4-independent group 4 enhancer GRCh37_chr12:11991350-11992549; plus strand). Cytogenetic location: 12p13.2.
Variant type: single nucleotide variant.
Coding change: c.200C>A on transcript NM_001987.5 (MANE Select); coding-DNA position 200, C replaced by A.
Protein change: p.Ala67Asp; replaces alanine 67 with aspartic acid.
Molecular consequence: missense variant. On other transcripts: 5 prime UTR variant (1).
Genome position (GRCh38, 1-based): chr12:11,839,176, C>A. VCF-style: chr12-11839176-C-A. GRCh37 (hg19) VCF-style: chr12-11992110-C-A.
Other names: c.197C>A, p.Ala66Asp (NM_001413913.1); c.173C>A, p.Ala58Asp (NM_001413914.1); c.-65C>A (NM_001413915.1); c.200C>A, p.Ala67Asp (NM_001413916.1, NM_001413917.1, NM_001413918.1); short protein forms A66D, A58D, A67D.
Identifiers: ClinVar variation 2760099 (VCV002760099.4), dbSNP rs2497924896, ClinGen allele CA384042604.
Genomic context (GRCh38, chr12:11,839,176, plus strand): 5'-TCTGCCTCATGCTCTCTCCAACAGGCTTGCAGCCAATTTACTGGAGCAGGGATGACGTAG[C>A]CCAGTGGCTCAAGTGGGCTGAAAATGAGTTTTCTTTAAGGCCAATTGACAGCAACACGTT-3'
Protein context (NP_001978.1, residues 57-77): QPIYWSRDDV[Ala67Asp]QWLKWAENEF

ClinVar aggregate classification (germline): Uncertain significance. Review status: criteria provided, multiple submitters, no conflicts (2 of 4 stars). 2 submissions from 2 submitters: Uncertain significance (2). Last evaluated 2025-04-09.

Conditions:
Inborn genetic diseases. Identifiers: MedGen C0950123, MeSH D030342.

Allele frequency attached by ClinVar (database versions not stated): gnomAD exomes below 0.00001.
gnomAD v4.1: 3 of 1,614,228 alleles (0.00019%); highest among the groups gnomAD compares: Non-Finnish European, 0.00025%; no homozygotes.

Submissions (2):

Ambry Genetics
Classification: Uncertain significance for Inborn genetic diseases. Last evaluated: 2025-04-09. Review status: criteria provided, single submitter. Criteria: Ambry Variant Classification Scheme 2023. Collection method: clinical testing. Allele origin: germline.
Comment: The p.A67D variant (also known as c.200C>A), located in coding exon 3 of the ETV6 gene, results from a C to A substitution at nucleotide position 200. The alanine at codon 67 is replaced by aspartic acid, an amino acid with dissimilar properties. This amino acid position is conserved. In addition, the in silico prediction for this alteration is inconclusive. Based on the available evidence, the clinical significance of this variant remains unclear.

Labcorp Genetics (formerly Invitae), Labcorp
Classification: Uncertain significance. Last evaluated: 2023-09-11. Review status: criteria provided, single submitter. Criteria: Invitae Variant Classification Sherloc (09022015). Collection method: clinical testing. Allele origin: germline.
Comment: This variant is not present in population databases (gnomAD no frequency). This sequence change replaces alanine, which is neutral and non-polar, with aspartic acid, which is acidic and polar, at codon 67 of the ETV6 protein (p.Ala67Asp). This variant has not been reported in the literature in individuals affected with ETV6-related conditions. In summary, the available evidence is currently insufficient to determine the role of this variant in disease. Therefore, it has been classified as a Variant of Uncertain Significance. Advanced modeling of protein sequence and biophysical properties (such as structural, functional, and spatial information, amino acid conservation, physicochemical variation, residue mobility, and thermodynamic stability) performed at Invitae indicates that this missense variant is not expected to disrupt ETV6 protein function.